The following is an entry in ClinVar:

NM_001374385.1(ATP8B1):c.1071C>T (p.Ile357=)

Gene: ATP8B1 (ATPase phospholipid transporting 8B1; minus strand). Cytogenetic location: 18q21.31.
Variant type: single nucleotide variant.
Coding change: c.1071C>T on transcript NM_001374385.1 (MANE Select); coding-DNA position 1071, C replaced by T.
Protein change: p.Ile357=; no amino-acid change (isoleucine 357 retained).
Molecular consequence: synonymous variant.
Genome position (GRCh38, 1-based): chr18:57,691,956, G>A on the plus strand (C>T on the coding strand, the complement: ATP8B1 is on the minus strand). VCF-style: chr18-57691956-G-A. GRCh37 (hg19) VCF-style: chr18-55359188-G-A.
Other names: c.1071C>T (NM_005603.4); c.921C>T, p.Ile307= (NM_001374386.1); c.1071C>T, p.Ile357= (NM_005603.6).
Identifiers: ClinVar variation 597761 (VCV000597761.9), dbSNP rs775490128, ClinGen allele CA8974658.

ClinVar aggregate classification (germline): Conflicting classifications of pathogenicity. Review status: criteria provided, conflicting classifications (1 of 4 stars). 3 submissions from 3 submitters: Uncertain significance (1); Likely benign (2). Last evaluated 2025-11-04.

Conditions:
ATP8B1-related disorder. Also called: ATP8B1-related condition; ATP8B1-related disorders.

Allele frequency attached by ClinVar (database versions not stated): gnomAD 0.00003; TOPMed 0.00005.
gnomAD v4.1: 20 of 1,613,866 alleles (0.0012%); highest among the groups gnomAD compares: African/African-American, 0.011%; no homozygotes.

Submissions (3):

Labcorp Genetics (formerly Invitae), Labcorp
Classification: Likely benign. Last evaluated: 2025-11-04. Review status: criteria provided, single submitter. Criteria: Invitae Variant Classification Sherloc (09022015). Collection method: clinical testing. Allele origin: germline.

PreventionGenetics, part of Exact Sciences
Classification: Likely benign for ATP8B1-related condition. Last evaluated: 2025-01-23. Review status: criteria provided, single submitter. Criteria: ACMG Guidelines, 2015. Collection method: clinical testing. Allele origin: germline.
Comment: This variant is classified as likely benign based on ACMG/AMP sequence variant interpretation guidelines (Richards et al. 2015 PMID: 25741868, with internal and published modifications).

Eurofins Ntd Llc (ga)
Classification: Uncertain significance. Last evaluated: 2018-06-28. Review status: criteria provided, single submitter. Criteria: EGL ClinVar v180209 classification definitions. Collection method: clinical testing. Allele origin: germline. Observed: 1 variant allele, 1 heterozygote.